The following is an entry in ClinVar:

NM_000784.4(CYP27A1):c.1193del (p.Pro398fs)

Gene: CYP27A1 (cytochrome P450 family 27 subfamily A member 1; plus strand). Cytogenetic location: 2q35.
Variant type: Deletion.
Coding change: c.1193del on transcript NM_000784.4 (MANE Select); coding-DNA position 1193, one base deleted (C; older notation c.1193delC).
Protein change: p.Pro398fs; shifts the reading frame from proline 398.
Molecular consequence: frameshift variant.
Genome position (GRCh38, 1-based): chr2:218,814,388, C deleted; the last of 3 consecutive C bases (chr2:218,814,386-218,814,388); deleting any one gives the same sequence. VCF-style (leftmost placement, unchanged base first): chr2-218814385-AC-A. GRCh37 (hg19) VCF-style: chr2-219679108-AC-A.
Other names: short protein forms P398fs.
Identifiers: ClinVar variation 2710970 (VCV002710970.4), dbSNP rs1943763473, ClinGen allele CA1328929694.

ClinVar aggregate classification (germline): Pathogenic/Likely pathogenic. Review status: criteria provided, multiple submitters, no conflicts (2 of 4 stars). 2 submissions from 2 submitters: Pathogenic (1); Likely pathogenic (1). Last evaluated 2024-01-24.

Conditions:
Cholestanol storage disease (CTX). Also called: CEREBRAL CHOLESTERINOSIS; Cerebrotendinous Xanthomatosis; CTX: Cerebrotendinous xanthomatosis. Identifiers: Orphanet 909, MedGen C0238052, MONDO:0008948, OMIM 213700.

Submissions (2):

Labcorp Genetics (formerly Invitae), Labcorp
Classification: Pathogenic for Cholestanol storage disease. Last evaluated: 2024-01-24. Review status: criteria provided, single submitter. Criteria: Invitae Variant Classification Sherloc (09022015). Collection method: clinical testing. Allele origin: germline.
Comment: This sequence change creates a premature translational stop signal (p.Pro398Leufs*10) in the CYP27A1 gene. It is expected to result in an absent or disrupted protein product. Loss-of-function variants in CYP27A1 are known to be pathogenic (PMID: 9392430, 10775536, 26937392). This variant is not present in population databases (gnomAD no frequency). This variant has not been reported in the literature in individuals affected with CYP27A1-related conditions. For these reasons, this variant has been classified as Pathogenic.

Baylor Genetics
Classification: Likely pathogenic for Cholestanol storage disease. Last evaluated: 2023-12-10. Review status: criteria provided, single submitter. Criteria: ACMG Guidelines, 2015. Collection method: clinical testing. Allele origin: unknown.

Literature cited by the submitters: PubMed 9392430 (cited by Labcorp Genetics (formerly Invitae), Labcorp); PubMed 10775536 (cited by Labcorp Genetics (formerly Invitae), Labcorp); PubMed 26937392 (cited by Labcorp Genetics (formerly Invitae), Labcorp).